The following is an entry in ClinVar:

ClinVar aggregate classification (germline): Uncertain significance (1 of 4 stars; one submission).

Allele frequency attached by ClinVar (database versions not stated): gnomAD exomes below 0.00001; TOPMed below 0.00001.
gnomAD v4.1: 6 of 1,553,782 alleles (0.00039%); highest among the groups gnomAD compares: Non-Finnish European, 0.00044%; no homozygotes.

Submission:

GeneDx
Classification: Uncertain significance. Last evaluated: 2023-04-10. Review status: criteria provided, single submitter. Criteria: GeneDx Variant Classification Process June 2021. Collection method: clinical testing. Allele origin: germline. Affected: yes.
Comment: Not observed at significant frequency in large population cohorts (gnomAD); In silico analysis supports that this missense variant does not alter protein structure/function; Has not been previously published as pathogenic or benign to our knowledge

NM_152743.4(BRAT1):c.334G>A (p.Ala112Thr)

Gene: BRAT1 (BRCA1 associated ATM activator 1; minus strand). Cytogenetic location: 7p22.3.
Variant type: single nucleotide variant.
Coding change: c.334G>A on transcript NM_152743.4 (MANE Select); coding-DNA position 334, G replaced by A.
Protein change: p.Ala112Thr; replaces alanine 112 with threonine.
Molecular consequence: missense variant. On other transcripts: non-coding transcript variant (1), intron variant (1).
Genome position (GRCh38, 1-based): chr7:2,545,005, C>T on the plus strand (G>A on the coding strand, the complement: BRAT1 is on the minus strand). VCF-style: chr7-2545005-C-T. GRCh37 (hg19) VCF-style: chr7-2584639-C-T.
Other names: c.334G>A, p.Ala112Thr (NM_001350626.2); c.-95-1043G>A (NM_001350627.2); short protein forms A112T.
Identifiers: ClinVar variation 2662130 (VCV002662130.1), dbSNP rs1779493706, ClinGen allele CA366632946.